The following is an entry in ClinVar:

ClinVar aggregate classification (germline): Benign (1 of 4 stars; one submission).

Allele frequency attached by ClinVar (database versions not stated): 1000 Genomes Project 0.00459; 1000 Genomes Project 30x 0.00468; gnomAD 0.00559; TOPMed 0.00599; gnomAD exomes 0.00766; ExAC 0.00903.
gnomAD v4.1: 5,113 of 703,434 alleles (0.73%); highest among the groups gnomAD compares: Middle Eastern, 2.9%; 44 homozygotes.

Submission:

CeGaT Center for Human Genetics Tuebingen
Classification: Benign. Last evaluated: 2022-09-01. Review status: criteria provided, single submitter. Criteria: CeGaT Center For Human Genetics Tuebingen Variant Classification Criteria Version 2. Collection method: clinical testing. Allele origin: germline. Affected: yes. Observed: 1 variant allele.
Comment: TDRD12: BP4, BS1, BS2

NM_001366102.1(TDRD12):c.1438G>A (p.Gly480Arg)

Gene: TDRD12 (tudor domain containing 12; plus strand). Cytogenetic location: 19q13.11.
Variant type: single nucleotide variant.
Coding change: c.1438G>A on transcript NM_001366102.1 (MANE Select); coding-DNA position 1438, G replaced by A.
Protein change: p.Gly480Arg; replaces glycine 480 with arginine.
Molecular consequence: missense variant.
Genome position (GRCh38, 1-based): chr19:32,794,778, G>A. VCF-style: chr19-32794778-G-A. GRCh37 (hg19) VCF-style: chr19-33285684-G-A.
Other names: short protein forms G480R.
Identifiers: ClinVar variation 2649687 (VCV002649687.24), dbSNP rs34982176, ClinGen allele CA9358172.